The following is an entry in ClinVar:

NM_000540.3(RYR1):c.3808C>T (p.Arg1270Cys)

Gene: RYR1 (ryanodine receptor 1; plus strand). Cytogenetic location: 19q13.2.
Variant type: single nucleotide variant.
Coding change: c.3808C>T on transcript NM_000540.3 (MANE Select); coding-DNA position 3808, C replaced by T.
Protein change: p.Arg1270Cys; replaces arginine 1270 with cysteine.
Molecular consequence: missense variant.
Genome position (GRCh38, 1-based): chr19:38,473,419, C>T. VCF-style: chr19-38473419-C-T. GRCh37 (hg19) VCF-style: chr19-38964059-C-T.
Other names: c.3808C>T, p.Arg1270Cys (NM_001042723.2); short protein forms R1270C.
Identifiers: ClinVar variation 839320 (VCV000839320.6), dbSNP rs774705775, ClinGen allele CA405641500.
Genomic context (GRCh38, chr19:38,473,419, plus strand): 5'-CATTCCCTGCCACCTCAGGTATCCCGAGTGGACGGCACTGTGGACACGCCCCCCTGCCTG[C>T]GCCTGACCCACCGCACCTGGGGCTCCCAGAACAGCCTGGTGGAGATGCTTTTCCTGCGGC-3'
Protein context (NP_000531.2, residues 1260-1280): DGTVDTPPCL[Arg1270Cys]LTHRTWGSQN

ClinVar aggregate classification (germline): Uncertain significance. Review status: criteria provided, multiple submitters, no conflicts (2 of 4 stars). 2 submissions from 2 submitters: Uncertain significance (2). Last evaluated 2025-02-09.

Conditions:
RYR1-related disorder. Also called: RYR1-related disorders; RYR1-related condition. Identifiers: MedGen CN239331.
Inborn genetic diseases. Identifiers: MedGen C0950123, MeSH D030342.

Allele frequency attached by ClinVar (database versions not stated): gnomAD exomes below 0.00001.
gnomAD v4.1: 5 of 1,613,886 alleles (0.00031%); highest among the groups gnomAD compares: South Asian, 0.0011%; no homozygotes.

Submissions (2):

Ambry Genetics
Classification: Uncertain significance for Inborn genetic diseases. Last evaluated: 2025-02-09. Review status: criteria provided, single submitter. Criteria: Ambry Variant Classification Scheme 2023. Collection method: clinical testing. Allele origin: germline.

Labcorp Genetics (formerly Invitae), Labcorp
Classification: Uncertain significance for RYR1-related disorder. Last evaluated: 2022-07-19. Review status: criteria provided, single submitter. Criteria: Invitae Variant Classification Sherloc (09022015). Collection method: clinical testing. Allele origin: germline.
Comment: This sequence change replaces arginine, which is basic and polar, with cysteine, which is neutral and slightly polar, at codon 1270 of the RYR1 protein (p.Arg1270Cys). This variant is not present in population databases (gnomAD no frequency). This variant has not been reported in the literature in individuals affected with RYR1-related conditions. ClinVar contains an entry for this variant (Variation ID: 839320). Advanced modeling of protein sequence and biophysical properties (such as structural, functional, and spatial information, amino acid conservation, physicochemical variation, residue mobility, and thermodynamic stability) performed at Invitae indicates that this missense variant is expected to disrupt RYR1 protein function. In summary, the available evidence is currently insufficient to determine the role of this variant in disease. Therefore, it has been classified as a Variant of Uncertain Significance.